The following is an entry in ClinVar:

ClinVar aggregate classification (germline): Likely benign. Review status: criteria provided, multiple submitters, no conflicts (2 of 4 stars). 4 submissions from 4 submitters: Likely benign (4). Last evaluated 2025-04-22.

Conditions:
Aortic aneurysm, familial thoracic 4 (AAT4). Also called: AORTIC ANEURYSM/AORTIC DISSECTION AND PATENT DUCTUS ARTERIOSUS. Identifiers: MedGen C1851504, MONDO:0007568, OMIM 132900.
Familial thoracic aortic aneurysm and aortic dissection (TAAD). Also called: Thoracic aortic aneurysms and dissections. Identifiers: Orphanet 91387, MedGen C4707243, MONDO:0019625.

Allele frequency attached by ClinVar (database versions not stated): gnomAD exomes below 0.00001 and 0.00001; gnomAD 0.00001; TOPMed 0.00001.
gnomAD v4.1: 7 of 1,614,084 alleles (0.00043%); highest among the groups gnomAD compares: East Asian, 0.016%; no homozygotes.

Submissions (4):

Labcorp Genetics (formerly Invitae), Labcorp
Classification: Likely benign for Aortic aneurysm, familial thoracic 4. Last evaluated: 2025-04-22. Review status: criteria provided, single submitter. Criteria: Invitae Variant Classification Sherloc (09022015). Collection method: clinical testing. Allele origin: germline.

All of Us Research Program, National Institutes of Health
Classification: Likely benign for Familial thoracic aortic aneurysm and aortic dissection. Last evaluated: 2023-06-08. Review status: criteria provided, single submitter. Criteria: ACMG Guidelines, 2015. Collection method: clinical testing. Allele origin: germline. Inheritance: Autosomal dominant inheritance. Observed: 1 variant allele, 1 heterozygote.
Comment: This study involves interpretation of variants in research participants for the purpose of population health screening. Participant phenotype was not available at the time of variant classification. Additional details can be found in publication PMID: 35346344, PMCID: PMC8962531

Ambry Genetics
Classification: Likely benign for Familial thoracic aortic aneurysm and aortic dissection. Last evaluated: 2023-02-16. Review status: criteria provided, single submitter. Criteria: Ambry Variant Classification Scheme 2023. Collection method: clinical testing. Allele origin: germline.

Color Diagnostics, LLC DBA Color Health
Classification: Likely benign for Familial thoracic aortic aneurysm and aortic dissection. Last evaluated: 2020-03-23. Review status: criteria provided, single submitter. Criteria: ACMG Guidelines, 2015. Collection method: clinical testing. Allele origin: germline.

NM_002474.3(MYH11):c.5484G>A (p.Glu1828=)

Genes: NDE1 (nudE neurodevelopment protein 1; plus strand), MYH11 (myosin heavy chain 11; minus strand). Cytogenetic location: 16p13.11.
Variant type: single nucleotide variant.
Coding change: c.5484G>A on transcript NM_002474.3 (MANE Select); coding-DNA position 5484, G replaced by A.
Protein change: p.Glu1828=; no amino-acid change (glutamic acid 1828 retained).
Molecular consequence: synonymous variant. On other transcripts: intron variant (2).
Genome position (GRCh38, 1-based): chr16:15,717,160, C>T on the plus strand (G>A on the coding strand, the complement: MYH11 is on the minus strand). VCF-style: chr16-15717160-C-T. GRCh37 (hg19) VCF-style: chr16-15811017-C-T.
Other names: c.5505G>A, p.Glu1835= (NM_001040113.2, NM_001040114.2); c.5484G>A, p.Glu1828= (NM_022844.3); c.948-7031C>T (NM_001143979.2, NM_017668.3).
Identifiers: ClinVar variation 923924 (VCV000923924.19), dbSNP rs1372132646, ClinGen allele CA494087619.